The following is an entry in ClinVar:

ClinVar aggregate classification (germline): Benign (1 of 4 stars; one submission).

Conditions:
MELAS syndrome (MELAS). Also called: Juvenile myopathy, encephalopathy, lactic acidosis, stroke. Identifiers: Orphanet 550, MedGen C0162671, MONDO:0010789, OMIM 540000.

Submission:

Wong Mito Lab, Molecular and Human Genetics, Baylor College of Medicine
Classification: Benign for MELAS syndrome. Last evaluated: 2019-07-12. Review status: criteria provided, single submitter. Criteria: Modified ACMG Guidelines (Unpublished). Collection method: clinical testing. Allele origin: germline.
Comment: The NC_012920.1:m.630C>T variant in MT-TF gene is interpreted to be a Benign variant based on the modified ACMG guidelines (unpublished). This variant meets the following evidence codes reported in the guidelines: BS1, BS4, BP4

Literature cited by the submitters: PubMed 31965079.

NC_012920.1(MT-TF):m.630C>T

Gene: MT-TF (mitochondrially encoded tRNA phenylalanine; plus strand).
Variant type: single nucleotide variant.
Genome position: chrM-630-C-T.
Identifiers: ClinVar variation 689825 (VCV000689825.1), dbSNP rs1603218468, ClinGen allele CA913175672.
Genomic context (GRCh38, chrMT:630, plus strand): 5'-CCCCACAGTTTATGTAGCTTACCTCCTCAAAGCAATACACTGAAAATGTTTAGACGGGCT[C>T]ACATCACCCCATAAACAAATAGGTTTGGTCCTAGCCTTTCTATTAGCTCTTAGTAAGATT-3'